The following is an entry in ClinVar:

NM_001256789.3(CACNA1F):c.1434G>C (p.Glu478Asp)

Gene: CACNA1F (calcium voltage-gated channel subunit alpha1 F; minus strand). Cytogenetic location: Xp11.23.
Variant type: single nucleotide variant.
Coding change: c.1434G>C on transcript NM_001256789.3 (MANE Select); coding-DNA position 1434, G replaced by C.
Protein change: p.Glu478Asp; replaces glutamic acid 478 with aspartic acid.
Molecular consequence: missense variant.
Genome position (GRCh38, 1-based): chrX:49,226,438, C>G on the plus strand (G>C on the coding strand, the complement: CACNA1F is on the minus strand). VCF-style: chrX-49226438-C-G. GRCh37 (hg19) VCF-style: chrX-49082900-C-G.
Other names: c.1272G>C, p.Glu424Asp (NM_001256790.3); c.1467G>C, p.Glu489Asp (NM_005183.4); short protein forms E489D, E478D, E424D.
Identifiers: ClinVar variation 2020774 (VCV002020774.4), dbSNP rs1271043136, ClinGen allele CA412917221.
Genomic context (GRCh38, chrX:49,226,438, plus strand): 5'-CTGGGCTGGGTCAGGGGCTGGGGGCCCTCACAGGCAGCGTGTACAGCTGGCCAGAGCCCC[C>G]TCCTCCTCATCCTCATCGCCTTGGGTCTCTGTCATGGAACCGGTGTCACTGGCTGGGAGG-3'
Protein context (NP_001243718.1, residues 468-488): TETQGDEDEE[Glu478Asp]GALASCTRCL

ClinVar aggregate classification (germline): Uncertain significance (1 of 4 stars; one submission).

Allele frequency attached by ClinVar (database versions not stated): gnomAD exomes 0.00003.
gnomAD v4.1: 30 of 1,189,137 alleles (0.0025%); highest among the groups gnomAD compares: Non-Finnish European, 0.0033%; no homozygotes.

Submission:

Labcorp Genetics (formerly Invitae), Labcorp
Classification: Uncertain significance. Last evaluated: 2023-11-27. Review status: criteria provided, single submitter. Criteria: Invitae Variant Classification Sherloc (09022015). Collection method: clinical testing. Allele origin: germline.
Comment: This sequence change replaces glutamic acid, which is acidic and polar, with aspartic acid, which is acidic and polar, at codon 489 of the CACNA1F protein (p.Glu489Asp). This variant is not present in population databases (gnomAD no frequency). This variant has not been reported in the literature in individuals affected with CACNA1F-related conditions. ClinVar contains an entry for this variant (Variation ID: 2020774). An algorithm developed to predict the effect of missense changes on protein structure and function (PolyPhen-2) suggests that this variant is likely to be disruptive. In summary, the available evidence is currently insufficient to determine the role of this variant in disease. Therefore, it has been classified as a Variant of Uncertain Significance.